The following is an entry in ClinVar:

NM_000944.5(PPP3CA):c.20T>C (p.Ile7Thr)

Gene: PPP3CA (protein phosphatase 3 catalytic subunit alpha; minus strand). Cytogenetic location: 4q24.
Variant type: single nucleotide variant.
Coding change: c.20T>C on transcript NM_000944.5 (MANE Select); coding-DNA position 20, T replaced by C.
Protein change: p.Ile7Thr; replaces isoleucine 7 with threonine.
Molecular consequence: missense variant.
Genome position (GRCh38, 1-based): chr4:101,346,777, A>G on the plus strand (T>C on the coding strand, the complement: PPP3CA is on the minus strand). VCF-style: chr4-101346777-A-G. GRCh37 (hg19) VCF-style: chr4-102267934-A-G.
Other names: c.20T>C, p.Ile7Thr (NM_001130691.2, NM_001130692.2); short protein forms I7T.
Identifiers: ClinVar variation 1307838 (VCV001307838.6), dbSNP rs1730017544, ClinGen allele CA357949605.
Genomic context (GRCh38, chr4:101,346,777, plus strand): 5'-GCCACCGCGGCGCTCCGCTTACCTTTCACCACCCTGTCGGTCGTCGACAACTTGGGATCA[A>G]TTGCCTTGGGCTCGGACATCTCCAGCTGCCGGAGGACAGCGACGCGCTGCTCGTCCGTCC-3'
Protein context (NP_000935.1, residues 1-17): MSEPKA[Ile7Thr]DPKLSTTDRV

ClinVar aggregate classification (germline): Uncertain significance. Review status: criteria provided, multiple submitters, no conflicts (2 of 4 stars). 2 submissions from 2 submitters: Uncertain significance (2). Last evaluated 2024-01-26.

Allele frequency attached by ClinVar (database versions not stated): TOPMed below 0.00001; gnomAD 0.00001.
gnomAD v4.1: 1 of 1,611,494 alleles (0.000062%); highest among the groups gnomAD compares: African/African-American, 0.0013%; no homozygotes.

Submissions (2):

Labcorp Genetics (formerly Invitae), Labcorp
Classification: Uncertain significance. Last evaluated: 2024-01-26. Review status: criteria provided, single submitter. Criteria: Invitae Variant Classification Sherloc (09022015). Collection method: clinical testing. Allele origin: germline.
Comment: This sequence change replaces isoleucine, which is neutral and non-polar, with threonine, which is neutral and polar, at codon 7 of the PPP3CA protein (p.Ile7Thr). This variant is not present in population databases (gnomAD no frequency). This variant has not been reported in the literature in individuals affected with PPP3CA-related conditions. ClinVar contains an entry for this variant (Variation ID: 1307838). An algorithm developed to predict the effect of missense changes on protein structure and function (PolyPhen-2) suggests that this variant is likely to be tolerated. In summary, the available evidence is currently insufficient to determine the role of this variant in disease. Therefore, it has been classified as a Variant of Uncertain Significance.

GeneDx
Classification: Uncertain significance. Last evaluated: 2022-08-05. Review status: criteria provided, single submitter. Criteria: GeneDx Variant Classification Process June 2021. Collection method: clinical testing. Allele origin: germline. Affected: yes.
Comment: Not observed at significant frequency in large population cohorts (gnomAD); In silico analysis supports that this missense variant does not alter protein structure/function; Has not been previously published as pathogenic or benign to our knowledge